The following is an entry in ClinVar:

NM_000454.5(SOD1):c.344G>C (p.Gly115Ala)

Gene: SOD1 (superoxide dismutase 1; plus strand). Cytogenetic location: 21q22.11.
Variant type: single nucleotide variant.
Coding change: c.344G>C on transcript NM_000454.5 (MANE Select); coding-DNA position 344, G replaced by C.
Protein change: p.Gly115Ala; replaces glycine 115 with alanine.
Molecular consequence: missense variant.
Genome position (GRCh38, 1-based): chr21:31,667,362, G>C. VCF-style: chr21-31667362-G-C. GRCh37 (hg19) VCF-style: chr21-33039675-G-C.
Other names: short protein forms G115A.
Identifiers: ClinVar variation 2138377 (VCV002138377.4), dbSNP rs1568810789, ClinGen allele CA410037586.

ClinVar aggregate classification (germline): Pathogenic (1 of 4 stars; one submission).

Conditions:
Amyotrophic lateral sclerosis type 1 (ALS1). Also called: AMYOTROPHIC LATERAL SCLEROSIS 1, FAMILIAL. Identifiers: Orphanet 803, MedGen C1862939, MONDO:0007103, OMIM 105400.

Submission:

Labcorp Genetics (formerly Invitae), Labcorp
Classification: Pathogenic for Amyotrophic lateral sclerosis type 1. Last evaluated: 2022-08-23. Review status: criteria provided, single submitter. Criteria: Invitae Variant Classification Sherloc (09022015). Collection method: clinical testing. Allele origin: germline.
Comment: For these reasons, this variant has been classified as Pathogenic. This variant is also known as G114A. This missense change has been observed in individuals with amyotrophic lateral sclerosis (PMID: 11408340, 14506936, 16291929, 16793335; Invitae). This variant is not present in population databases (gnomAD no frequency). This sequence change replaces glycine, which is neutral and non-polar, with alanine, which is neutral and non-polar, at codon 115 of the SOD1 protein (p.Gly115Ala). Experimental studies have shown that this missense change affects SOD1 function (PMID: 23280792). Advanced modeling of protein sequence and biophysical properties (such as structural, functional, and spatial information, amino acid conservation, physicochemical variation, residue mobility, and thermodynamic stability) performed at Invitae indicates that this missense variant is expected to disrupt SOD1 protein function.

Literature cited by the submitters: PubMed 11408340; PubMed 14506936; PubMed 16291929; PubMed 16793335; PubMed 23280792.